The following is an entry in ClinVar:

ClinVar aggregate classification (germline): Pathogenic (1 of 4 stars; one submission).

Allele frequency attached by ClinVar (database versions not stated): gnomAD exomes below 0.00001.
gnomAD v4.1: 1 of 1,613,936 alleles (0.000062%); highest among the groups gnomAD compares: Non-Finnish European, 0.000085%; no homozygotes.

Submission:

Labcorp Genetics (formerly Invitae), Labcorp
Classification: Pathogenic. Last evaluated: 2024-04-17. Review status: criteria provided, single submitter. Criteria: Invitae Variant Classification Sherloc (09022015). Collection method: clinical testing. Allele origin: germline.
Comment: This sequence change creates a premature translational stop signal (p.Arg650*) in the PRPF8 gene. It is expected to result in an absent or disrupted protein product. Loss-of-function variants in PRPF8 are known to be pathogenic (PMID: 27208204, 31054281, 33946315). This variant is present in population databases (no rsID available, gnomAD 0.0009%). This premature translational stop signal has been observed in individual(s) with retinitis pigmentosa (Invitae). ClinVar contains an entry for this variant (Variation ID: 1944453). Algorithms developed to predict the effect of sequence changes on RNA splicing suggest that this variant may disrupt the consensus splice site. For these reasons, this variant has been classified as Pathogenic.

Literature cited by the submitters: PubMed 27208204; PubMed 31054281; PubMed 33946315.

NM_006445.4(PRPF8):c.1948C>T (p.Arg650Ter)

Gene: PRPF8 (pre-mRNA processing factor 8; minus strand). Cytogenetic location: 17p13.3.
Variant type: single nucleotide variant.
Coding change: c.1948C>T on transcript NM_006445.4 (MANE Select); coding-DNA position 1948, C replaced by T.
Protein change: p.Arg650Ter; replaces arginine 650 with a stop codon.
Molecular consequence: nonsense.
Genome position (GRCh38, 1-based): chr17:1,677,601, G>A on the plus strand (C>T on the coding strand, the complement: PRPF8 is on the minus strand). VCF-style: chr17-1677601-G-A. GRCh37 (hg19) VCF-style: chr17-1580895-G-A.
Other names: short protein forms R650*.
Identifiers: ClinVar variation 1944453 (VCV001944453.5), dbSNP rs1279378587, ClinGen allele CA397556634.